The following is an entry in ClinVar:

ClinVar aggregate classification (germline): Uncertain significance. Review status: criteria provided, multiple submitters, no conflicts (2 of 4 stars). 3 submissions from 3 submitters: Uncertain significance (3). Last evaluated 2024-08-30.

Conditions:
Emery-Dreifuss muscular dystrophy 4, autosomal dominant (EDMD4). Also called: EMERY-DREIFUSS MUSCULAR DYSTROPHY 4 WITH VARIABLE FEATURES. Identifiers: Orphanet 261, MedGen C2751807, MONDO:0013071, OMIM 612998.
Autosomal recessive ataxia, Beauce type. Also called: SYNE1 Deficiency; Spinocerebellar ataxia, autosomal recessive 8; ATAXIA, RECESSIVE, OF BEAUCE; SYNE1-Related Autosomal Recessive Cerebellar Ataxia. Identifiers: Orphanet 88644, MedGen C1853116, MONDO:0012549, OMIM 610743.

Allele frequency attached by ClinVar (database versions not stated): gnomAD 0.00002 and 0.00003; ESP Exome Variant Server 0.00008.
gnomAD v4.1: 70 of 1,613,980 alleles (0.0043%); highest among the groups gnomAD compares: Middle Eastern, 0.13%; no homozygotes.

Submissions (3):

Athena Diagnostics
Classification: Uncertain significance. Last evaluated: 2024-08-30. Review status: criteria provided, single submitter. Criteria: Athena Diagnostics Criteria. Collection method: clinical testing. Allele origin: unknown.
Comment: Available data are insufficient to determine the clinical significance of the variant at this time. The frequency of this variant in the general population is higher than would generally be expected for pathogenic variants in this gene. Polyphen and MutationTaster yielded discordant predictions regarding whether this amino acid change is damaging to the protein.

Labcorp Genetics (formerly Invitae), Labcorp
Classification: Uncertain significance for Emery-Dreifuss muscular dystrophy 4, autosomal dominant; Autosomal recessive ataxia, Beauce type. Last evaluated: 2021-08-27. Review status: criteria provided, single submitter. Criteria: Invitae Variant Classification Sherloc (09022015). Collection method: clinical testing. Allele origin: germline.
Comment: This sequence change replaces arginine with leucine at codon 2670 of the SYNE1 protein (p.Arg2670Leu). The arginine residue is highly conserved and there is a moderate physicochemical difference between arginine and leucine. This variant is present in population databases (rs370644295, ExAC 0.007%). This variant has not been reported in the literature in individuals affected with SYNE1-related conditions. ClinVar contains an entry for this variant (Variation ID: 502539). Algorithms developed to predict the effect of missense changes on protein structure and function (SIFT, PolyPhen-2, Align-GVGD) all suggest that this variant is likely to be disruptive. In summary, the available evidence is currently insufficient to determine the role of this variant in disease. Therefore, it has been classified as a Variant of Uncertain Significance.

Eurofins Ntd Llc (ga)
Classification: Uncertain significance. Last evaluated: 2017-12-29. Review status: criteria provided, single submitter. Criteria: EGL Classification Definitions 2015. Collection method: clinical testing. Allele origin: germline. Observed: 3 variant alleles, 3 heterozygotes.

NM_182961.4(SYNE1):c.7988G>T (p.Arg2663Leu)

Gene: SYNE1 (spectrin repeat containing nuclear envelope protein 1; minus strand). Cytogenetic location: 6q25.2.
Variant type: single nucleotide variant.
Coding change: c.7988G>T on transcript NM_182961.4 (MANE Select); coding-DNA position 7988, G replaced by T.
Protein change: p.Arg2663Leu; replaces arginine 2663 with leucine.
Molecular consequence: missense variant.
Genome position (GRCh38, 1-based): chr6:152,391,293, C>A on the plus strand (G>T on the coding strand, the complement: SYNE1 is on the minus strand). VCF-style: chr6-152391293-C-A. GRCh37 (hg19) VCF-style: chr6-152712428-C-A.
Other names: c.8009G>T, p.Arg2670Leu (NM_033071.5); short protein forms R2663L, R2670L.
Identifiers: ClinVar variation 502539 (VCV000502539.15), dbSNP rs370644295, ClinGen allele CA4057659.
Genomic context (GRCh38, chr6:152,391,293, plus strand): 5'-TTAGCATTCAGCAGTTGTCAGTGTCTGGCTGGTGTCGCATGTACCTGTATTTGTGACAGC[C>A]GTTTCTCCAGGGTGTCTTTGCTCCCAAGAGTGCTCTCTGCACAGGCCAGTCTGTCCTGAA-3'
Protein context (NP_892006.3, residues 2653-2673): TLGSKDTLEK[Arg2663Leu]LSQIQDILLM